The following is an entry in ClinVar:

NM_203475.3(PORCN):c.370C>T (p.Arg124Ter)

Gene: PORCN (porcupine O-acyltransferase; plus strand). Cytogenetic location: Xp11.23.
Variant type: single nucleotide variant.
Coding change: c.370C>T on transcript NM_203475.3 (MANE Select); coding-DNA position 370, C replaced by T.
Protein change: p.Arg124Ter; replaces arginine 124 with a stop codon.
Molecular consequence: nonsense.
Genome position (GRCh38, 1-based): chrX:48,511,932, C>T. VCF-style: chrX-48511932-C-T. GRCh37 (hg19) VCF-style: chrX-48370320-C-T.
Other names: c.157C>T, p.Arg53Ter (NM_001282167.2); c.370C>T, p.Arg124Ter (NM_022825.4, NM_203473.3, NM_203474.1); short protein forms R124*, R53*.
Identifiers: ClinVar variation 10702 (VCV000010702.7), dbSNP rs137852218, ClinGen allele CA255493.
Genomic context (GRCh38, chrX:48,511,932, plus strand): 5'-ACCAGCACCTTTTTCCTCAGTGAGATGCACATGGTAGACACCGTGACATGGCACAAGATG[C>T]GAGGTAGGTAGCCCTGCCCCTCTCACCTGCCCAACCCCCCTGCCCCACTCCTCGTCTCCT-3'

ClinVar aggregate classification (germline): Pathogenic. Review status: criteria provided, multiple submitters, no conflicts (2 of 4 stars). 4 submissions from 4 submitters: Pathogenic (3). 1 of the submissions does not count toward it. Last evaluated 2025-06-04.

Conditions:
Focal dermal hypoplasia (FDH). Also called: Goltz syndrome. Identifiers: Orphanet 2092, MedGen C0016395, MONDO:0010592, OMIM 305600.

Submissions (5):

Labcorp Genetics (formerly Invitae), Labcorp
Classification: Pathogenic. Last evaluated: 2025-06-04. Review status: criteria provided, single submitter. Criteria: Invitae Variant Classification Sherloc (09022015). Collection method: clinical testing. Allele origin: germline.
Comment: This sequence change creates a premature translational stop signal (p.Arg124*) in the PORCN gene. It is expected to result in an absent or disrupted protein product. Loss-of-function variants in PORCN are known to be pathogenic (PMID: 17546030, 19309688). This variant is not present in population databases (gnomAD no frequency). This premature translational stop signal has been observed in individual(s) with focal dermal hypoplasia (PMID: 17546030). ClinVar contains an entry for this variant (Variation ID: 10702). Algorithms developed to predict the effect of sequence changes on RNA splicing suggest that this variant may disrupt the consensus splice site. For these reasons, this variant has been classified as Pathogenic.

Fulgent Genetics
Classification: Pathogenic for Focal dermal hypoplasia. Last evaluated: 2022-03-16. Review status: criteria provided, single submitter. Criteria: ACMG Guidelines, 2015. Collection method: clinical testing. Allele origin: unknown.

GeneDx
Classification: Pathogenic. Last evaluated: 2018-02-14. Review status: criteria provided, single submitter. Criteria: GeneDx Variant Classification (06012015). Collection method: clinical testing. Allele origin: germline. Affected: yes.
Comment: The R124X nonsense variant in the PORCN gene has been reported previously in association with Goltz syndrome including as a de novo occurrence (Grzeschik et al., 2007; Bornholdt et al., 2009; Lombardi et al., 2011; Wang et al., 2007). The variant is not observed in large population cohorts (Lek et al., 2016). This pathogenic variant is predicted to cause loss of normal protein function either through protein truncation or nonsense-mediated mRNA decay. Functional studies of the R124X variant have shown that it impairs normal WNT3A secretions and may subsequently impact Wnt signaling (Liu et al., 2012).

OMIM
Classification: Pathogenic for FOCAL DERMAL HYPOPLASIA. Last evaluated: 2007-07-01. Review status: no assertion criteria provided. Collection method: literature only. Allele origin: germline. Not counted in ClinVar's aggregate classification.

Dr. Peter K. Rogan Lab, Western University
No classification provided (evidence only). Condition: Nonpapillary renal cell carcinoma. Review status: no classification provided. Collection method: in vitro. Allele origin: not applicable. Functional consequence: retained intron. Not counted in ClinVar's aggregate classification.

Literature cited by the submitters: PubMed 17546030 (cited by Labcorp Genetics (formerly Invitae), Labcorp); PubMed 19309688 (cited by Labcorp Genetics (formerly Invitae), Labcorp); PubMed 17546031 (cited by OMIM).